The following is an entry in ClinVar:

NM_153676.4(USH1C):c.877-1G>A

Gene: USH1C (USH1 protein network component harmonin; minus strand). Cytogenetic location: 11p15.1.
Variant type: single nucleotide variant.
Coding change: c.877-1G>A on transcript NM_153676.4 (MANE Select); the canonical splice acceptor site of the intron before coding-DNA position 877, G replaced by A.
Molecular consequence: splice acceptor variant.
Genome position (GRCh38, 1-based): chr11:17,522,927, C>T on the plus strand (G>A on the coding strand, the complement: USH1C is on the minus strand). VCF-style: chr11-17522927-C-T. GRCh37 (hg19) VCF-style: chr11-17544474-C-T.
Other names: c.820-1G>A (NM_001297764.2); c.877-1G>A (NM_005709.4).
Identifiers: ClinVar variation 553769 (VCV000553769.7), dbSNP rs771279169, ClinGen allele CA5904802.

ClinVar aggregate classification (germline): Pathogenic/Likely pathogenic. Review status: criteria provided, multiple submitters, no conflicts (2 of 4 stars). 5 submissions from 5 submitters: Pathogenic (3); Likely pathogenic (1). 1 of the submissions does not count toward it. Last evaluated 2025-10-10.

Conditions:
USH1C-related disorder. Also called: USH1C-related condition.
Autosomal recessive nonsyndromic hearing loss 18A. Also called: DEAFNESS, AUTOSOMAL RECESSIVE 18; Deafness, autosomal recessive 18A. Identifiers: Orphanet 90636, MedGen C1865870, MONDO:0011192, OMIM 602092.
Usher syndrome type 1C. Also called: USHER SYNDROME, TYPE I, ACADIAN VARIETY. Identifiers: Orphanet 231169, Orphanet 886, MedGen C1848604, MONDO:0010171, OMIM 276904.

Allele frequency attached by ClinVar (database versions not stated): gnomAD 0.00001; gnomAD exomes 0.00001 and below 0.00001; TOPMed 0.00002; ExAC 0.00003.
gnomAD v4.1: 6 of 1,610,604 alleles (0.00037%); highest among the groups gnomAD compares: Non-Finnish European, 0.00051%; no homozygotes.

Submissions (5):

Natera, Inc.
Classification: Pathogenic for Usher syndrome type 1C. Last evaluated: 2025-10-10. Review status: criteria provided, single submitter. Criteria: Natera Variant Classification Schema (03/2026). Collection method: clinical testing. Allele origin: germline.
Comment: The c.877-1G>A variant in USH1C is a canonical splice acceptor site variant predicted to affect pre-mRNA splicing, which may result in an abnormal transcript and altered protein product. This variant is expected to result in nonsense mediated decay, truncation, or a dysfunctional protein product. This variant is rare in the general population with a frequency below the threshold expected for the associated phenotype(s). This variant has been observed in one or more individuals affected with the associated recessive disease, as either homozygous or compound heterozygous with a second variant (PMID: 33231815). Given the available evidence, this variant is classified as Pathogenic.

Labcorp Genetics (formerly Invitae), Labcorp
Classification: Pathogenic. Last evaluated: 2024-12-27. Review status: criteria provided, single submitter. Criteria: Invitae Variant Classification Sherloc (09022015). Collection method: clinical testing. Allele origin: germline.
Comment: This sequence change affects an acceptor splice site in intron 11 of the USH1C gene. It is expected to disrupt RNA splicing. Variants that disrupt the donor or acceptor splice site typically lead to a loss of protein function (PMID: 16199547), and loss-of-function variants in USH1C are known to be pathogenic (PMID: 10973247, 17407589, 20301442, 21203349). This variant is present in population databases (rs771279169, gnomAD 0.003%). Disruption of this splice site has been observed in individual(s) with Usher syndrome (PMID: 33231815). ClinVar contains an entry for this variant (Variation ID: 553769). Algorithms developed to predict the effect of sequence changes on RNA splicing suggest that this variant may disrupt the consensus splice site. For these reasons, this variant has been classified as Pathogenic.

Blueprint Genetics
Classification: Likely pathogenic for USH1C-related disorders. Last evaluated: 2024-08-07. Review status: criteria provided, single submitter. Criteria: ACMG Guidelines, 2015. Collection method: clinical testing. Allele origin: germline. Affected: yes. Observed: 2 variant alleles.

Baylor Genetics
Classification: Pathogenic for Autosomal recessive nonsyndromic hearing loss 18A. Last evaluated: 2023-08-24. Review status: criteria provided, single submitter. Criteria: ACMG Guidelines, 2015. Collection method: clinical testing. Allele origin: unknown.

Counsyl
Classification: Likely pathogenic for Usher syndrome type 1C; Autosomal recessive nonsyndromic hearing loss 18A. Last evaluated: 2017-09-06. Review status: no assertion criteria provided. Collection method: clinical testing. Allele origin: unknown. Not counted in ClinVar's aggregate classification.

Literature cited by the submitters: PubMed 33231815 (cited by Natera, Inc. and Labcorp Genetics (formerly Invitae), Labcorp); PubMed 16199547 (cited by Labcorp Genetics (formerly Invitae), Labcorp); PubMed 10973247 (cited by Labcorp Genetics (formerly Invitae), Labcorp); PubMed 17407589 (cited by Labcorp Genetics (formerly Invitae), Labcorp); PubMed 20301442 (cited by Labcorp Genetics (formerly Invitae), Labcorp); PubMed 21203349 (cited by Labcorp Genetics (formerly Invitae), Labcorp).